The following is an entry in ClinVar:

ClinVar aggregate classification (germline): Likely benign (1 of 4 stars; one submission).

Submission:

CeGaT Center for Human Genetics Tuebingen
Classification: Likely benign. Last evaluated: 2024-11-01. Review status: criteria provided, single submitter. Criteria: CeGaT Center For Human Genetics Tuebingen Variant Classification Criteria Version 2. Collection method: clinical testing. Allele origin: germline. Affected: yes. Observed: 1 variant allele.
Comment: TET2: BP4, BP7

NM_001127208.3(TET2):c.5778T>G (p.Arg1926=)

Genes: TET2 (tet methylcytosine dioxygenase 2; plus strand), TET2-AS1 (TET2 antisense RNA 1; minus strand). Cytogenetic location: 4q24.
Variant type: single nucleotide variant.
Coding change: c.5778T>G on transcript NM_001127208.3 (MANE Select); coding-DNA position 5778, T replaced by G.
Protein change: p.Arg1926=; no amino-acid change (arginine 1926 retained).
Molecular consequence: synonymous variant.
Genome position (GRCh38, 1-based): chr4:105,276,288, T>G. VCF-style: chr4-105276288-T-G. GRCh37 (hg19) VCF-style: chr4-106197445-T-G.
Identifiers: ClinVar variation 3388578 (VCV003388578.14).
Genomic context (GRCh38, chr4:105,276,288, plus strand): 5'-CATGAATGAGCCAAAACATGGCTTGGCTCTTTGGGAAGCCAAAATGGCTGAAAAAGCCCG[T>G]GAGAAAGAGGAAGAGTGTGAAAAGTATGGCCCAGACTATGTGCCTCAGAAATCCCATGGC-3'
Protein context (NP_001120680.1, residues 1916-1936): LWEAKMAEKA[Arg1926=]EKEEECEKYG